The following is an entry in ClinVar:

NM_001369268.1(ACAN):c.44C>T (p.Thr15Ile)

Gene: ACAN (aggrecan; plus strand). Cytogenetic location: 15q26.1.
Variant type: single nucleotide variant.
Coding change: c.44C>T on transcript NM_001369268.1 (MANE Select); coding-DNA position 44, C replaced by T.
Protein change: p.Thr15Ile; replaces threonine 15 with isoleucine.
Molecular consequence: missense variant.
Genome position (GRCh38, 1-based): chr15:88,836,250, C>T. VCF-style: chr15-88836250-C-T. GRCh37 (hg19) VCF-style: chr15-89379481-C-T.
Other names: c.44C>T, p.Thr15Ile (NM_001135.4, NM_001411096.1, NM_001411097.1 and 1 more transcripts); short protein forms T15I.
Identifiers: ClinVar variation 4744952 (VCV004744952.1).
Genomic context (GRCh38, chr15:88,836,250, plus strand): 5'-CCTCTTCCAGGTGAACTATGACCACTTTACTCTGGGTTTTCGTGACTCTGAGGGTCATCA[C>T]TGCAGCTGTCACTGTAGAAACTTCAGGTGAGGACATTCCTATACATGTTTCACGTATTCA-3'
Protein context (NP_001356197.1, residues 5-25): LWVFVTLRVI[Thr15Ile]AAVTVETSDH

ClinVar aggregate classification (germline): Uncertain significance (1 of 4 stars; one submission).

Submission:

Labcorp Genetics (formerly Invitae), Labcorp
Classification: Uncertain significance. Last evaluated: 2025-05-30. Review status: criteria provided, single submitter. Criteria: Invitae Variant Classification Sherloc (09022015). Collection method: clinical testing. Allele origin: germline.
Comment: This sequence change replaces threonine, which is neutral and polar, with isoleucine, which is neutral and non-polar, at codon 15 of the ACAN protein (p.Thr15Ile). This variant is not present in population databases (gnomAD no frequency). This variant has not been reported in the literature in individuals affected with ACAN-related conditions. Invitae Evidence Modeling of protein sequence and biophysical properties (such as structural, functional, and spatial information, amino acid conservation, physicochemical variation, residue mobility, and thermodynamic stability) indicates that this missense variant is not expected to disrupt ACAN protein function with a negative predictive value of 80%. In summary, the available evidence is currently insufficient to determine the role of this variant in disease. Therefore, it has been classified as a Variant of Uncertain Significance.